The following is an entry in ClinVar:

ClinVar aggregate classification (germline): Uncertain significance. Review status: criteria provided, multiple submitters, no conflicts (2 of 4 stars). 3 submissions from 3 submitters: Uncertain significance (3). Last evaluated 2026-07-06.

Conditions:
Tuberous sclerosis 2 (TSC2). Identifiers: Orphanet 805, MedGen C1860707, MONDO:0013199, OMIM 613254.
Hereditary cancer-predisposing syndrome. Also called: Hereditary neoplastic syndrome; Neoplastic Syndromes, Hereditary; Tumor predisposition; Hereditary Cancer Syndrome. Identifiers: Orphanet 140162, MedGen C0027672, MeSH D009386, MONDO:0015356.
Lymphangiomyomatosis (LAM). Also called: Lymphangioleiomyomatosis, somatic; Lymphangioleiomyomatosis. Identifiers: Orphanet 538, MedGen C0751674, MONDO:0011705, OMIM 606690.
Isolated focal cortical dysplasia type II (FCORD2). Also called: CORTICAL DYSPLASIA OF TAYLOR; Focal cortical dysplasia type II. Identifiers: Orphanet 268994, MedGen C1846385, MONDO:0011818, OMIM 607341, HP:0032051.

Submissions (3):

Ambry Genetics
Classification: Uncertain significance for Hereditary cancer-predisposing syndrome. Last evaluated: 2026-07-06. Review status: criteria provided, single submitter. Criteria: Ambry Variant Classification Scheme 2023. Collection method: clinical testing. Allele origin: germline.
Comment: The p.G1123R variant (also known as c.3367G>A), located in coding exon 28 of the TSC2 gene, results from a G to A substitution at nucleotide position 3367. The glycine at codon 1123 is replaced by arginine, an amino acid with dissimilar properties. This amino acid position is conserved. In addition, the in silico prediction for this alteration is inconclusive. Based on the available evidence, the clinical significance of this variant remains unclear.

Labcorp Genetics (formerly Invitae), Labcorp
Classification: Uncertain significance for Tuberous sclerosis 2. Last evaluated: 2025-08-18. Review status: criteria provided, single submitter. Criteria: Invitae Variant Classification Sherloc (09022015). Collection method: clinical testing. Allele origin: germline.
Comment: This sequence change replaces glycine, which is neutral and non-polar, with arginine, which is basic and polar, at codon 1123 of the TSC2 protein (p.Gly1123Arg). This variant is not present in population databases (gnomAD no frequency). This variant has not been reported in the literature in individuals affected with TSC2-related conditions. ClinVar contains an entry for this variant (Variation ID: 3578799). Invitae Evidence Modeling of protein sequence and biophysical properties (such as structural, functional, and spatial information, amino acid conservation, physicochemical variation, residue mobility, and thermodynamic stability) indicates that this missense variant is not expected to disrupt TSC2 protein function with a negative predictive value of 95%. In summary, the available evidence is currently insufficient to determine the role of this variant in disease. Therefore, it has been classified as a Variant of Uncertain Significance.

Fulgent Genetics
Classification: Uncertain significance for Lymphangiomyomatosis; Isolated focal cortical dysplasia type II; Tuberous sclerosis 2. Last evaluated: 2024-02-04. Review status: criteria provided, single submitter. Criteria: ACMG Guidelines, 2015. Collection method: clinical testing. Allele origin: germline.

NM_000548.5(TSC2):c.3367G>A (p.Gly1123Arg)

Gene: TSC2 (TSC complex subunit 2; plus strand). Cytogenetic location: 16p13.3.
Variant type: single nucleotide variant.
Coding change: c.3367G>A on transcript NM_000548.5 (MANE Select); coding-DNA position 3367, G replaced by A.
Protein change: p.Gly1123Arg; replaces glycine 1123 with arginine.
Molecular consequence: missense variant. On other transcripts: non-coding transcript variant (5).
Genome position (GRCh38, 1-based): chr16:2,079,639, G>A. VCF-style: chr16-2079639-G-A. GRCh37 (hg19) VCF-style: chr16-2129640-G-A.
Other names: c.3235G>A, p.Gly1079Arg (NM_001077183.3, NM_001370404.1, NM_001406665.1); c.3367G>A, p.Gly1123Arg (NM_001114382.3); c.3127G>A, p.Gly1043Arg (NM_001318827.2); c.3091G>A, p.Gly1031Arg (NM_001318829.2); c.2635G>A, p.Gly879Arg (NM_001318831.2, NM_001406687.1, NM_001406688.1); c.2767G>A, p.Gly923Arg (NM_001406683.1, NM_001406680.1, NM_001406682.1); c.2764G>A, p.Gly922Arg (NM_001406684.1); c.2638G>A, p.Gly880Arg (NM_001406685.1, NM_001406686.1); and 18 more; short protein forms G1060R, G1073R, G1074R, G1079R, G1086R, G1122R, G632R, G1076R.
Identifiers: ClinVar variation 3578799 (VCV003578799.4).